The following is an entry in ClinVar:

ClinVar aggregate classification (germline): Likely pathogenic (1 of 4 stars; one submission).

Conditions:
Alstrom syndrome (ALMS). Identifiers: Orphanet 64, MedGen C0268425, MONDO:0008763, OMIM 203800.

Submission:

Natera, Inc.
Classification: Likely pathogenic for Alstrom syndrome. Last evaluated: 2025-09-26. Review status: criteria provided, single submitter. Criteria: Natera Variant Classification Schema (03/2026). Collection method: clinical testing. Allele origin: germline.
Comment: The c.2741del variant in ALMS1 is a frameshift variant predicted to shift the reading frame beginning at codon 914 and leads to a stop codon 20 codons downstream. This variant is expected to result in nonsense mediated decay, truncation, or a dysfunctional protein product. This variant is rare in the general population with a frequency below the threshold expected for the associated phenotype(s). Given the available evidence, this variant is classified as Likely Pathogenic.

NM_001378454.1(ALMS1):c.2738del (p.Lys913fs)

Gene: ALMS1 (ALMS1 centrosome and basal body associated protein; plus strand). Cytogenetic location: 2p13.1.
Variant type: Deletion.
Coding change: c.2738del on transcript NM_001378454.1 (MANE Select); coding-DNA position 2738, one base deleted (A; older notation c.2738delA).
Protein change: p.Lys913fs; shifts the reading frame from lysine 913.
Molecular consequence: frameshift variant.
Genome position (GRCh38, 1-based): chr2:73,449,265, A deleted; the last of 2 consecutive A bases (chr2:73,449,264-73,449,265); deleting either gives the same sequence. VCF-style (leftmost placement, unchanged base first): chr2-73449263-GA-G. GRCh37 (hg19) VCF-style: chr2-73676390-GA-G.
Other names: c.2741del, p.Lys914fs (NM_015120.4); short protein forms K913fs, K914fs.
Identifiers: ClinVar variation 4815778 (VCV004815778.1).